The following is an entry in ClinVar:

ClinVar aggregate classification (germline): Uncertain significance (1 of 4 stars; one submission).

Allele frequency attached by ClinVar (database versions not stated): gnomAD exomes below 0.00001; TOPMed 0.00001.
gnomAD v4.1: 5 of 1,614,224 alleles (0.00031%); highest among the groups gnomAD compares: East Asian, 0.0022%; no homozygotes.

Submission:

Labcorp Genetics (formerly Invitae), Labcorp
Classification: Uncertain significance. Last evaluated: 2021-09-18. Review status: criteria provided, single submitter. Criteria: Invitae Variant Classification Sherloc (09022015). Collection method: clinical testing. Allele origin: germline.
Comment: In summary, the available evidence is currently insufficient to determine the role of this variant in disease. Therefore, it has been classified as a Variant of Uncertain Significance. Advanced modeling of protein sequence and biophysical properties (such as structural, functional, and spatial information, amino acid conservation, physicochemical variation, residue mobility, and thermodynamic stability) performed at Invitae indicates that this missense variant is not expected to disrupt FLNB protein function. This variant has not been reported in the literature in individuals affected with FLNB-related conditions. This variant is not present in population databases (ExAC no frequency). This sequence change replaces threonine with methionine at codon 2049 of the FLNB protein (p.Thr2049Met). The threonine residue is highly conserved and there is a moderate physicochemical difference between threonine and methionine.

NM_001457.4(FLNB):c.6146C>T (p.Thr2049Met)

Gene: FLNB (filamin B; plus strand). Cytogenetic location: 3p14.3.
Variant type: single nucleotide variant.
Coding change: c.6146C>T on transcript NM_001457.4 (MANE Select); coding-DNA position 6146, C replaced by T.
Protein change: p.Thr2049Met; replaces threonine 2049 with methionine.
Molecular consequence: missense variant.
Genome position (GRCh38, 1-based): chr3:58,149,904, C>T. VCF-style: chr3-58149904-C-T. GRCh37 (hg19) VCF-style: chr3-58135631-C-T.
Other names: c.6239C>T, p.Thr2080Met (NM_001164317.2); c.6113C>T, p.Thr2038Met (NM_001164318.2); c.6074C>T, p.Thr2025Met (NM_001164319.2); short protein forms T2049M, T2080M, T2025M, T2038M.
Identifiers: ClinVar variation 1483233 (VCV001483233.6), dbSNP rs979105084, ClinGen allele CA75473167.